The following is an entry in ClinVar:

ClinVar aggregate classification (germline): Uncertain significance. Review status: criteria provided, multiple submitters, no conflicts (2 of 4 stars). 3 submissions from 3 submitters: Uncertain significance (3). Last evaluated 2021-07-15.

Conditions:
Rhabdoid tumor predisposition syndrome 2 (RTPS2). Identifiers: Orphanet 231108, Orphanet 69077, MedGen C2750074, MONDO:0013224, OMIM 613325.
Hereditary cancer-predisposing syndrome. Also called: Neoplastic Syndromes, Hereditary; Tumor predisposition; Hereditary Cancer Syndrome; Hereditary neoplastic syndrome. Identifiers: Orphanet 140162, MedGen C0027672, MeSH D009386, MONDO:0015356.
Intellectual disability, autosomal dominant 16 (CSS4). Also called: COFFIN-SIRIS SYNDROME 4. Identifiers: Orphanet 1465, MedGen C3553249, MONDO:0013821, OMIM 614609.

gnomAD v4.1: 4 of 1,589,492 alleles (0.00025%); highest among the groups gnomAD compares: South Asian, 0.0011%; no homozygotes.

Submissions (3):

Genome-Nilou Lab
Classification: Uncertain significance for Intellectual disability, autosomal dominant 16. Last evaluated: 2021-07-15. Review status: criteria provided, single submitter. Criteria: ACMG Guidelines, 2015. Collection method: clinical testing. Allele origin: germline. Affected: no.

Labcorp Genetics (formerly Invitae), Labcorp
Classification: Uncertain significance for Rhabdoid tumor predisposition syndrome 2. Last evaluated: 2019-12-13. Review status: criteria provided, single submitter. Criteria: Invitae Variant Classification Sherloc (09022015). Collection method: clinical testing. Allele origin: germline.
Comment: This sequence change replaces methionine with isoleucine at codon 69 of the SMARCA4 protein (p.Met69Ile). The methionine residue is highly conserved and there is a small physicochemical difference between methionine and isoleucine. This variant is present in population databases (rs754815286, ExAC 0.01%). This variant has not been reported in the literature in individuals with SMARCA4-related conditions. ClinVar contains an entry for this variant (Variation ID: 484941). Algorithms developed to predict the effect of missense changes on protein structure and function are either unavailable or do not agree on the potential impact of this missense change (SIFT: "Deleterious"; PolyPhen-2: "Benign"; Align-GVGD: "Class C0"). In summary, the available evidence is currently insufficient to determine the role of this variant in disease. Therefore, it has been classified as a Variant of Uncertain Significance.

Ambry Genetics
Classification: Uncertain significance for Hereditary cancer-predisposing syndrome. Last evaluated: 2018-06-05. Review status: criteria provided, single submitter. Criteria: Ambry Variant Classification Scheme 2023. Collection method: clinical testing. Allele origin: germline.
Comment: The p.M69I variant (also known as c.207G>A), located in coding exon 1 of the SMARCA4 gene, results from a G to A substitution at nucleotide position 207. The methionine at codon 69 is replaced by isoleucine, an amino acid with highly similar properties. This amino acid position is well conserved in available vertebrate species. In addition, the in silico prediction for this alteration is inconclusive. Since supporting evidence is limited at this time, the clinical significance of this alteration remains unclear.

NM_003072.5(SMARCA4):c.207G>A (p.Met69Ile)

Gene: SMARCA4 (SWI/SNF related BAF chromatin remodeling complex subunit ATPase 4; plus strand). Cytogenetic location: 19p13.2.
Variant type: single nucleotide variant.
Coding change: c.207G>A on transcript NM_003072.5 (MANE Select); coding-DNA position 207, G replaced by A.
Protein change: p.Met69Ile; replaces methionine 69 with isoleucine.
Molecular consequence: missense variant. On other transcripts: non-coding transcript variant (1).
Genome position (GRCh38, 1-based): chr19:10,984,358, G>A. VCF-style: chr19-10984358-G-A. GRCh37 (hg19) VCF-style: chr19-11095034-G-A.
Other names: c.207G>A, p.Met69Ile (NM_001128845.2, NM_001128846.2, NM_001128847.4 and 5 more transcripts); short protein forms M69I.
Identifiers: ClinVar variation 484941 (VCV000484941.8), dbSNP rs754815286, ClinGen allele CA9203412.
Genomic context (GRCh38, chr19:10,984,358, plus strand): 5'-GCCCTCAGCAGGACACCCCATCCCCACCCAGGGGCCTGGAGGGTACCCTCAGGACAACAT[G>A]CACCAGATGCACAAGGTAGGGATCCCTGTGCCCGCCTCGCACCTGCGGCCTCTGCCCACT-3'
Protein context (NP_003063.2, residues 59-79): QGPGGYPQDN[Met69Ile]HQMHKPMESM